The following is an entry in ClinVar:

ClinVar aggregate classification (germline): Conflicting classifications of pathogenicity. Review status: criteria provided, conflicting classifications (1 of 4 stars). 7 submissions from 7 submitters: Uncertain significance (1); Benign (1); Likely benign (4). 1 of the submissions does not count toward it. Last evaluated 2026-01-21.

Conditions:
CACNA1S-related disorder. Also called: CACNA1S-related condition.
Hypokalemic periodic paralysis, type 1. Also called: HypoPP; Hypokalemic Periodic Paralysis Type 1 (AD). Identifiers: Orphanet 681, MedGen C3714580, MONDO:0042979, OMIM 170400.
Malignant hyperthermia, susceptibility to, 5 (MHS5). Also called: CACNA1S-Related Malignant Hyperthermia Susceptibility. Identifiers: Orphanet 423, MedGen C1866077, MONDO:0011163, OMIM 601887.

Allele frequency attached by ClinVar (database versions not stated): 1000 Genomes Project 30x 0.00016; 1000 Genomes Project 0.00020; gnomAD 0.00021 and 0.00022; ExAC 0.00027; TOPMed 0.00036.
gnomAD v4.1: 189 of 1,614,152 alleles (0.012%); highest among the groups gnomAD compares: Admixed American, 0.19%; no homozygotes.

Submissions (7):

Labcorp Genetics (formerly Invitae), Labcorp
Classification: Likely benign for Hypokalemic periodic paralysis, type 1; Malignant hyperthermia, susceptibility to, 5. Last evaluated: 2026-01-21. Review status: criteria provided, single submitter. Criteria: Invitae Variant Classification Sherloc (09022015). Collection method: clinical testing. Allele origin: germline.

CeGaT Center for Human Genetics Tuebingen
Classification: Likely benign. Last evaluated: 2025-11-01. Review status: criteria provided, single submitter. Criteria: CeGaT Center For Human Genetics Tuebingen Variant Classification Criteria Version 2. Collection method: clinical testing. Allele origin: germline. Affected: yes. Observed: 9 variant alleles.
Comment: CACNA1S: BP4

Blueprint Genetics
Classification: Likely benign. Last evaluated: 2024-10-25. Review status: criteria provided, single submitter. Criteria: ACMG Guidelines, 2015. Collection method: clinical testing. Allele origin: germline.

GeneDx
Classification: Uncertain significance. Last evaluated: 2023-09-25. Review status: criteria provided, single submitter. Criteria: GeneDx Variant Classification Process June 2021. Collection method: clinical testing. Allele origin: germline. Affected: yes.
Comment: In silico analysis supports that this missense variant does not alter protein structure/function; Has not been previously published as pathogenic or benign to our knowledge

Color Diagnostics, LLC DBA Color Health
Classification: Likely benign for Malignant hyperthermia, susceptibility to, 5. Last evaluated: 2022-11-06. Review status: criteria provided, single submitter. Criteria: ACMG Guidelines, 2015. Collection method: clinical testing. Allele origin: germline.

Illumina Laboratory Services, Illumina
Classification: Benign for Hypokalemic periodic paralysis, type 1. Last evaluated: 2018-01-13. Review status: criteria provided, single submitter. Criteria: ICSL Variant Classification Criteria 13 December 2019. Collection method: clinical testing. Allele origin: germline.
Comment: This variant was observed in the ICSL laboratory as part of a predisposition screen in an ostensibly healthy population. It had not been previously curated by ICSL or reported in the Human Gene Mutation Database (HGMD: prior to June 1st, 2018), and was therefore a candidate for classification through an automated scoring system. Utilizing variant allele frequency, disease prevalence and penetrance estimates, and inheritance mode, an automated score was calculated to assess if this variant is too frequent to cause the disease. Based on the score and internal cut-off values, a variant classified as benign is not then subjected to further curation. The score for this variant resulted in a classification of benign for this disease.

PreventionGenetics, part of Exact Sciences
Classification: Likely benign for CACNA1S-related condition. Last evaluated: 2023-04-04. Review status: no assertion criteria provided. Collection method: clinical testing. Allele origin: germline. Not counted in ClinVar's aggregate classification.
Comment: This variant is classified as likely benign based on ACMG/AMP sequence variant interpretation guidelines (Richards et al. 2015 PMID: 25741868, with internal and published modifications).

NM_000069.3(CACNA1S):c.5510A>C (p.Glu1837Ala)

Gene: CACNA1S (calcium voltage-gated channel subunit alpha1 S; minus strand). Cytogenetic location: 1q32.1.
Variant type: single nucleotide variant.
Coding change: c.5510A>C on transcript NM_000069.3 (MANE Select); coding-DNA position 5510, A replaced by C.
Protein change: p.Glu1837Ala; replaces glutamic acid 1837 with alanine.
Molecular consequence: missense variant.
Genome position (GRCh38, 1-based): chr1:201,039,943, T>G on the plus strand (A>C on the coding strand, the complement: CACNA1S is on the minus strand). VCF-style: chr1-201039943-T-G. GRCh37 (hg19) VCF-style: chr1-201009071-T-G.
Other names: short protein forms E1837A.
Identifiers: ClinVar variation 294706 (VCV000294706.55), dbSNP rs200765341, ClinGen allele CA083885.